The following is an entry in ClinVar:

NM_001283009.2(RTEL1):c.1787G>A (p.Gly596Asp)

Genes: RTEL1 (regulator of telomere elongation helicase 1; plus strand), RTEL1-TNFRSF6B (RTEL1-TNFRSF6B readthrough (NMD candidate); plus strand). Cytogenetic location: 20q13.33.
Variant type: single nucleotide variant.
Coding change: c.1787G>A on transcript NM_001283009.2 (MANE Select); coding-DNA position 1787, G replaced by A.
Protein change: p.Gly596Asp; replaces glycine 596 with aspartic acid.
Molecular consequence: missense variant. On other transcripts: non-coding transcript variant (1).
Genome position (GRCh38, 1-based): chr20:63,688,592, G>A. VCF-style: chr20-63688592-G-A. GRCh37 (hg19) VCF-style: chr20-62319945-G-A.
Other names: c.1118G>A, p.Gly373Asp (NM_001283010.1); c.1787G>A, p.Gly596Asp (NM_016434.4); c.1859G>A, p.Gly620Asp (NM_032957.5); short protein forms G373D, G620D, G596D.
Identifiers: ClinVar variation 3791123 (VCV003791123.2).

ClinVar aggregate classification (germline): Uncertain significance. Review status: criteria provided, multiple submitters, no conflicts (2 of 4 stars). 2 submissions from 2 submitters: Uncertain significance (2). Last evaluated 2025-10-08.

Conditions:
Inborn genetic diseases. Identifiers: MedGen C0950123, MeSH D030342.
Pulmonary fibrosis and/or bone marrow failure, Telomere-related, 3. Also called: PULMONARY FIBROSIS AND/OR BONE MARROW FAILURE SYNDROME, TELOMERE-RELATED, 3. Identifiers: Orphanet 2032, MedGen C4225346, MONDO:0014613, OMIM 616373.
Dyskeratosis congenita, autosomal recessive 5 (DKCB5). Identifiers: MedGen C3554656, MONDO:0014076, OMIM 615190.

Submissions (2):

Labcorp Genetics (formerly Invitae), Labcorp
Classification: Uncertain significance for Dyskeratosis congenita, autosomal recessive 5; Pulmonary fibrosis and/or bone marrow failure, Telomere-related, 3. Last evaluated: 2025-10-08. Review status: criteria provided, single submitter. Criteria: Invitae Variant Classification Sherloc (09022015). Collection method: clinical testing. Allele origin: germline.
Comment: This sequence change replaces glycine, which is neutral and non-polar, with aspartic acid, which is acidic and polar, at codon 596 of the RTEL1 protein (p.Gly596Asp). This variant is not present in population databases (gnomAD no frequency). This variant has not been reported in the literature in individuals affected with RTEL1-related conditions. ClinVar contains an entry for this variant (Variation ID: 3791123). An algorithm developed to predict the effect of missense changes on protein structure and function outputs the following: PolyPhen-2: "Benign". The aspartic acid amino acid residue is found in multiple mammalian species, which suggests that this missense change does not adversely affect protein function. In summary, the available evidence is currently insufficient to determine the role of this variant in disease. Therefore, it has been classified as a Variant of Uncertain Significance.

Ambry Genetics
Classification: Uncertain significance for Inborn genetic diseases. Last evaluated: 2025-02-06. Review status: criteria provided, single submitter. Criteria: Ambry Variant Classification Scheme 2023. Collection method: clinical testing. Allele origin: germline.
Comment: The p.G596D variant (also known as c.1787G>A), located in coding exon 20 of the RTEL1 gene, results from a G to A substitution at nucleotide position 1787. The glycine at codon 596 is replaced by aspartic acid, an amino acid with similar properties. This amino acid position is conserved. In addition, this alteration is predicted to be tolerated by in silico analysis. Based on the available evidence, the clinical significance of this variant remains unclear.